The following is an entry in ClinVar:

ClinVar aggregate classification (germline): Uncertain significance (1 of 4 stars; one submission).

Submission:

Labcorp Genetics (formerly Invitae), Labcorp
Classification: Uncertain significance. Last evaluated: 2022-04-15. Review status: criteria provided, single submitter. Criteria: Invitae Variant Classification Sherloc (09022015). Collection method: clinical testing. Allele origin: germline.
Comment: This sequence change falls in intron 2 of the MYH9 gene. It does not directly change the encoded amino acid sequence of the MYH9 protein. It affects a nucleotide within the consensus splice site. This variant is not present in population databases (gnomAD no frequency). This variant has not been reported in the literature in individuals affected with MYH9-related conditions. Variants that disrupt the consensus splice site are a relatively common cause of aberrant splicing (PMID: 17576681, 9536098). Algorithms developed to predict the effect of sequence changes on RNA splicing suggest that this variant is not likely to affect RNA splicing. In summary, the available evidence is currently insufficient to determine the role of this variant in disease. Therefore, it has been classified as a Variant of Uncertain Significance.

Literature cited by the submitters: PubMed 17576681; PubMed 9536098.

NM_002473.6(MYH9):c.333+3A>G

Gene: MYH9 (myosin heavy chain 9; minus strand). Cytogenetic location: 22q12.3.
Variant type: single nucleotide variant.
Coding change: c.333+3A>G on transcript NM_002473.6 (MANE Select); 3 bases into the intron after coding-DNA position 333, A replaced by G.
Molecular consequence: intron variant.
Genome position (GRCh38, 1-based): chr22:36,348,901, T>C on the plus strand (A>G on the coding strand, the complement: MYH9 is on the minus strand). VCF-style: chr22-36348901-T-C. GRCh37 (hg19) VCF-style: chr22-36744946-T-C.
Identifiers: ClinVar variation 2126441 (VCV002126441.4), dbSNP rs2518022572, ClinGen allele CA2580099724.